The following is an entry in ClinVar:

NM_001111067.4(ACVR1):c.118C>T (p.Leu40Phe)

Gene: ACVR1 (activin A receptor type 1; minus strand). Cytogenetic location: 2q24.1.
Variant type: single nucleotide variant.
Coding change: c.118C>T on transcript NM_001111067.4 (MANE Select); coding-DNA position 118, C replaced by T.
Protein change: p.Leu40Phe; replaces leucine 40 with phenylalanine.
Molecular consequence: missense variant.
Genome position (GRCh38, 1-based): chr2:157,780,550, G>A on the plus strand (C>T on the coding strand, the complement: ACVR1 is on the minus strand). VCF-style: chr2-157780550-G-A. GRCh37 (hg19) VCF-style: chr2-158637062-G-A.
Other names: c.118C>T, p.Leu40Phe (NM_001105.5, NM_001347663.1, NM_001347664.1 and 3 more transcripts); short protein forms L40F.
Identifiers: ClinVar variation 4722889 (VCV004722889.1).

ClinVar aggregate classification (germline): Uncertain significance (1 of 4 stars; one submission).

Submission:

Labcorp Genetics (formerly Invitae), Labcorp
Classification: Uncertain significance. Last evaluated: 2025-07-08. Review status: criteria provided, single submitter. Criteria: Invitae Variant Classification Sherloc (09022015). Collection method: clinical testing. Allele origin: germline.
Comment: This sequence change replaces leucine, which is neutral and non-polar, with phenylalanine, which is neutral and non-polar, at codon 40 of the ACVR1 protein (p.Leu40Phe). This variant is not present in population databases (gnomAD no frequency). This variant has not been reported in the literature in individuals affected with ACVR1-related conditions. An algorithm developed to predict the effect of missense changes on protein structure and function (PolyPhen-2) suggests that this variant is likely to be tolerated. In summary, the available evidence is currently insufficient to determine the role of this variant in disease. Therefore, it has been classified as a Variant of Uncertain Significance.